The following is an entry in ClinVar:

ClinVar aggregate classification (germline): Likely benign. Review status: criteria provided, multiple submitters, no conflicts (2 of 4 stars). 4 submissions from 3 submitters: Likely benign (4). Last evaluated 2025-12-01.

Conditions:
Autosomal dominant nocturnal frontal lobe epilepsy 5. Also called: Epilepsy, nocturnal frontal lobe, 5; CILIARY DYSKINESIA, PRIMARY, 28, WITHOUT SITUS INVERSUS; CILIARY DYSKINESIA, PRIMARY, 28, WITH SITUS INVERSUS; KCNT1-Related Epilepsy. Identifiers: Orphanet 98784, MedGen C3554306, MONDO:0014002, OMIM 615005.
Developmental and epileptic encephalopathy, 14 (DEE14). Also called: Early infantile epileptic encephalopathy 14. Identifiers: Orphanet 293181, MedGen C3554195, MONDO:0013989, OMIM 614959.

Allele frequency attached by ClinVar (database versions not stated): gnomAD exomes below 0.00001 and 0.00003; gnomAD 0.00001; TOPMed 0.00002.
gnomAD v4.1: 47 of 1,611,392 alleles (0.0029%); highest among the groups gnomAD compares: Middle Eastern, 0.017%; no homozygotes.

Submissions (4):

Labcorp Genetics (formerly Invitae), Labcorp
Classification: Likely benign for Autosomal dominant nocturnal frontal lobe epilepsy 5; Developmental and epileptic encephalopathy, 14. Last evaluated: 2025-12-01. Review status: criteria provided, single submitter. Criteria: Invitae Variant Classification Sherloc (09022015). Collection method: clinical testing. Allele origin: germline.

Genome-Nilou Lab
Classification: Likely benign for Developmental and epileptic encephalopathy, 14. Last evaluated: 2022-03-15. Review status: criteria provided, single submitter. Criteria: ACMG Guidelines, 2015. Collection method: clinical testing. Allele origin: germline. Affected: no.

Genome-Nilou Lab
Classification: Likely benign for Autosomal dominant nocturnal frontal lobe epilepsy 5. Last evaluated: 2022-03-15. Review status: criteria provided, single submitter. Criteria: ACMG Guidelines, 2015. Collection method: clinical testing. Allele origin: germline. Affected: no.

GeneDx
Classification: Likely benign. Last evaluated: 2018-02-16. Review status: criteria provided, single submitter. Criteria: GeneDx Variant Classification (06012015). Collection method: clinical testing. Allele origin: germline. Affected: yes.
Comment: This variant is considered likely benign or benign based on one or more of the following criteria: it is a conservative change, it occurs at a poorly conserved position in the protein, it is predicted to be benign by multiple in silico algorithms, and/or has population frequency not consistent with disease.

NM_020822.3(KCNT1):c.3027+19G>A

Gene: KCNT1 (potassium sodium-activated channel subfamily T member 1; plus strand). Cytogenetic location: 9q34.3.
Variant type: single nucleotide variant.
Coding change: c.3027+19G>A on transcript NM_020822.3 (MANE Select); 19 bases into the intron after coding-DNA position 3027, G replaced by A.
Molecular consequence: intron variant.
Genome position (GRCh38, 1-based): chr9:135,784,637, G>A. VCF-style: chr9-135784637-G-A. GRCh37 (hg19) VCF-style: chr9-138676483-G-A.
Other names: c.2892+19G>A (NM_001272003.2).
Identifiers: ClinVar variation 515480 (VCV000515480.10), dbSNP rs778490327, ClinGen allele CA201483709.